The following is an entry in ClinVar:

ClinVar aggregate classification (germline): Benign/Likely benign. Review status: criteria provided, multiple submitters, no conflicts (2 of 4 stars). 3 submissions from 3 submitters: Benign (1); Likely benign (2). Last evaluated 2026-08-01.

Allele frequency attached by ClinVar (database versions not stated): TOPMed 0.00057; 1000 Genomes Project 30x 0.00062; ESP Exome Variant Server 0.00069; 1000 Genomes Project 0.00080.
gnomAD v4.1: 171 of 1,607,218 alleles (0.011%); highest among the groups gnomAD compares: African/African-American, 0.19%; no homozygotes.

Submissions (3):

CeGaT Center for Human Genetics Tuebingen
Classification: Likely benign. Last evaluated: 2026-08-01. Review status: criteria provided, single submitter. Criteria: CeGaT Center For Human Genetics Tuebingen Variant Classification Criteria Version 2. Collection method: clinical testing. Allele origin: germline. Affected: yes. Observed: 2 variant alleles.
Comment: AUTS2: BP4, BP7, BS1

Labcorp Genetics (formerly Invitae), Labcorp
Classification: Benign. Last evaluated: 2026-01-28. Review status: criteria provided, single submitter. Criteria: Invitae Variant Classification Sherloc (09022015). Collection method: clinical testing. Allele origin: germline.

GeneDx
Classification: Likely benign. Last evaluated: 2020-09-01. Review status: criteria provided, single submitter. Criteria: GeneDx Variant Classification Process June 2021. Collection method: clinical testing. Allele origin: germline. Affected: yes.

NM_015570.4(AUTS2):c.3633C>G (p.Thr1211=)

Gene: AUTS2 (activator of transcription and developmental regulator AUTS2; plus strand). Cytogenetic location: 7q11.22.
Variant type: single nucleotide variant.
Coding change: c.3633C>G on transcript NM_015570.4 (MANE Select); coding-DNA position 3633, C replaced by G.
Protein change: p.Thr1211=; no amino-acid change (threonine 1211 retained).
Molecular consequence: synonymous variant.
Genome position (GRCh38, 1-based): chr7:70,790,849, C>G. VCF-style: chr7-70790849-C-G. GRCh37 (hg19) VCF-style: chr7-70255835-C-G.
Other names: c.3561C>G, p.Thr1187= (NM_001127231.3).
Identifiers: ClinVar variation 703031 (VCV000703031.17), dbSNP rs145677084, ClinGen allele CA4281392.